The following is an entry in ClinVar:

ClinVar aggregate classification (germline): Conflicting classifications of pathogenicity. Review status: criteria provided, conflicting classifications (1 of 4 stars). 2 submissions from 2 submitters: Uncertain significance (1); Likely benign (1). Last evaluated 2026-07-10.

Conditions:
Hereditary cancer-predisposing syndrome. Also called: Hereditary Cancer Syndrome; Hereditary neoplastic syndrome; Neoplastic Syndromes, Hereditary; Tumor predisposition. Identifiers: Orphanet 140162, MedGen C0027672, MeSH D009386, MONDO:0015356.
BAP1-related tumor predisposition syndrome (TPDS1). Also called: COMMON Syndrome; TUMOR PREDISPOSITION SYNDROME 1; BAP1 tumor predisposition syndrome; Tumor susceptibility linked to germline BAP1 mutations. Identifiers: Orphanet 289539, MedGen C3280492, MONDO:0013692, OMIM 614327.

Submissions (2):

Ambry Genetics
Classification: Likely benign for Hereditary cancer-predisposing syndrome. Last evaluated: 2026-07-10. Review status: criteria provided, single submitter. Criteria: Ambry Variant Classification Scheme 2023. Collection method: clinical testing. Allele origin: germline.

Labcorp Genetics (formerly Invitae), Labcorp
Classification: Uncertain significance for BAP1-related tumor predisposition syndrome. Last evaluated: 2025-03-26. Review status: criteria provided, single submitter. Criteria: Invitae Variant Classification Sherloc (09022015). Collection method: clinical testing. Allele origin: germline.
Comment: This variant, c.1201_1224del, results in the deletion of 8 amino acid(s) of the BAP1 protein (p.Tyr401_Asp408del), but otherwise preserves the integrity of the reading frame. This variant is not present in population databases (gnomAD no frequency). This variant has not been reported in the literature in individuals affected with BAP1-related conditions. Experimental studies and prediction algorithms are not available or were not evaluated, and the functional significance of this variant is currently unknown. In summary, the available evidence is currently insufficient to determine the role of this variant in disease. Therefore, it has been classified as a Variant of Uncertain Significance.

Literature cited by the submitters: PubMed 38969833 (cited by Ambry Genetics).

NM_004656.4(BAP1):c.1201_1224del (p.Tyr401_Asp408del)

Gene: BAP1 (BRCA1 associated deubiquitinase 1; minus strand). Cytogenetic location: 3p21.1.
Variant type: Deletion.
Coding change: c.1201_1224del on transcript NM_004656.4 (MANE Select); coding-DNA positions 1201 to 1224, 24 bases deleted (TATGAGGATGACGAGGAGGATGAC).
Protein change: p.Tyr401_Asp408del.
Molecular consequence: inframe deletion.
Genome position (GRCh38, 1-based): chr3:52,404,479-52,404,502, GTCATCCTCCTCGTCATCCTCATA deleted on the plus strand (TATGAGGATGACGAGGAGGATGAC on the coding strand, the reverse complement: BAP1 is on the minus strand); deleting any 24 consecutive bases within chr3:52,404,479-52,404,511 gives the same sequence; the c. name uses the placement nearest the transcript's 3' end. VCF-style (leftmost placement, unchanged base first): chr3-52404478-CGTCATCCTCCTCGTCATCCTCATA-C. GRCh37 (hg19) VCF-style: chr3-52438494-CGTCATCCTCCTCGTCATCCTCATA-C.
Other names: c.1147_1170del, p.Tyr383_Asp390del (NM_001410772.1); c.1201_1224del24 (NM_004656.2).
Identifiers: ClinVar variation 4719542 (VCV004719542.2).
Genomic context (GRCh38, chr3:52,404,478, plus strand): 5'-CCTAGAACCTGGTAGCCTTAGAAAGCTGGGCTGACCTAAGGGCAGAGTTGGTGTTCTGCA[CGTCATCCTCCTCGTCATCCTCATA>C]GTCATCCTCATCATCTGAGTACTGCTGGGGTGGGCGGACTGGAACTCGGCTGCGGCCCAC-3'